The following is an entry in ClinVar:

NM_000143.4(FH):c.1352A>G (p.Glu451Gly)

Gene: FH (fumarate hydratase; minus strand). Cytogenetic location: 1q43.
Variant type: single nucleotide variant.
Coding change: c.1352A>G on transcript NM_000143.4 (MANE Select); coding-DNA position 1352, A replaced by G.
Protein change: p.Glu451Gly; replaces glutamic acid 451 with glycine.
Molecular consequence: missense variant.
Genome position (GRCh38, 1-based): chr1:241,500,475, T>C on the plus strand (A>G on the coding strand, the complement: FH is on the minus strand). VCF-style: chr1-241500475-T-C. GRCh37 (hg19) VCF-style: chr1-241663775-T-C.
Other names: short protein forms E451G.
Identifiers: ClinVar variation 2883185 (VCV002883185.4), dbSNP rs751400708, ClinGen allele CA1478472.
Genomic context (GRCh38, chr1:241,500,475, plus strand): 5'-TTATTATTCCTTAAACACTTACCTATATGAGGATTGAGAGCTGTCACCAACATTAGAGAC[T>C]CATTCATCAGCTTGTTGATCCTTTCTGTATTGGCCTGGATTCCCACCACGCAGTTTTCTG-3'
Protein context (NP_000134.2, residues 441-461): NTERINKLMN[Glu451Gly]SLMLVTALNP

ClinVar aggregate classification (germline): Uncertain significance. Review status: criteria provided, multiple submitters, no conflicts (2 of 4 stars). 2 submissions from 2 submitters: Uncertain significance (2). Last evaluated 2026-07-07.

Conditions:
Hereditary cancer-predisposing syndrome. Also called: Hereditary Cancer Syndrome; Hereditary neoplastic syndrome; Neoplastic Syndromes, Hereditary; Tumor predisposition. Identifiers: Orphanet 140162, MedGen C0027672, MeSH D009386, MONDO:0015356.

Allele frequency attached by ClinVar (database versions not stated): gnomAD exomes 0.00001; ExAC 0.00001.
gnomAD v4.1: 4 of 1,614,072 alleles (0.00025%); highest among the groups gnomAD compares: Non-Finnish European, 0.00034%; no homozygotes.

Submissions (2):

Ambry Genetics
Classification: Uncertain significance for Hereditary cancer-predisposing syndrome. Last evaluated: 2026-07-07. Review status: criteria provided, single submitter. Criteria: Ambry Variant Classification Scheme 2023. Collection method: clinical testing. Allele origin: germline.
Comment: The p.E451G variant (also known as c.1352A>G), located in coding exon 9 of the FH gene, results from an A to G substitution at nucleotide position 1352. The glutamic acid at codon 451 is replaced by glycine, an amino acid with similar properties. This amino acid position is conserved. In addition, this alteration is predicted to be deleterious by in silico analysis. Based on the available evidence, the clinical significance of this variant remains unclear.

Labcorp Genetics (formerly Invitae), Labcorp
Classification: Uncertain significance. Last evaluated: 2023-05-25. Review status: criteria provided, single submitter. Criteria: Invitae Variant Classification Sherloc (09022015). Collection method: clinical testing. Allele origin: germline.
Comment: In summary, the available evidence is currently insufficient to determine the role of this variant in disease. Therefore, it has been classified as a Variant of Uncertain Significance. Advanced modeling of protein sequence and biophysical properties (such as structural, functional, and spatial information, amino acid conservation, physicochemical variation, residue mobility, and thermodynamic stability) has been performed at Invitae for this missense variant, however the output from this modeling did not meet the statistical confidence thresholds required to predict the impact of this variant on FH protein function. This variant has not been reported in the literature in individuals affected with FH-related conditions. This variant is present in population databases (rs751400708, gnomAD 0.0009%). This sequence change replaces glutamic acid, which is acidic and polar, with glycine, which is neutral and non-polar, at codon 451 of the FH protein (p.Glu451Gly).